The following is an entry in ClinVar:

NM_000059.4(BRCA2):c.663dup (p.Pro222fs)

Gene: BRCA2 (BRCA2 DNA repair associated; plus strand). Cytogenetic location: 13q13.1.
Variant type: Duplication.
Coding change: c.663dup on transcript NM_000059.4 (MANE Select); coding-DNA position 663, one base duplicated (T; older notation c.663dupT).
Protein change: p.Pro222fs; shifts the reading frame from proline 222.
Molecular consequence: frameshift variant. On other transcripts: non-coding transcript variant (1).
Genome position (GRCh38, 1-based): chr13:32,329,474, T duplicated; the last of 3 consecutive T bases (chr13:32,329,472-32,329,474); duplicating any one gives the same sequence. VCF-style (leftmost placement, unchanged base first): chr13-32329471-A-AT. GRCh37 (hg19) VCF-style: chr13-32903608-A-AT.
Other names: c.663dup, p.Pro222fs (NM_001406719.1, NM_001406720.1, NM_001406721.1); c.294dup, p.Pro99fs (NM_001406722.1); short protein forms P222fs, P99fs.
Identifiers: ClinVar variation 2774874 (VCV002774874.2), dbSNP rs80359609, ClinGen allele CA2697551696.

ClinVar aggregate classification (germline): Pathogenic (1 of 4 stars; one submission).

Conditions:
Hereditary cancer-predisposing syndrome. Also called: Neoplastic Syndromes, Hereditary; Tumor predisposition; Hereditary Cancer Syndrome; Hereditary neoplastic syndrome. Identifiers: Orphanet 140162, MedGen C0027672, MeSH D009386, MONDO:0015356.

Submission:

Color Diagnostics, LLC DBA Color Health
Classification: Pathogenic for Hereditary cancer-predisposing syndrome. Last evaluated: 2021-11-15. Review status: criteria provided, single submitter. Criteria: ACMG Guidelines, 2015. Collection method: clinical testing. Allele origin: germline.
Comment: This variant inserts 1 nucleotide in exon 8 of the BRCA2 gene, creating a frameshift and premature translation stop signal. This variant is expected to result in an absent or non-functional protein product. To our knowledge, this variant has not been reported in individuals affected with hereditary cancer in the literature. This variant has not been identified in the general population by the Genome Aggregation Database (gnomAD). Loss of BRCA2 function is a known mechanism of disease. Based on the available evidence, this variant is classified as Pathogenic.